The following is an entry in ClinVar:

ClinVar aggregate classification (germline): Pathogenic. Review status: criteria provided, multiple submitters, no conflicts (2 of 4 stars). 3 submissions from 3 submitters: Pathogenic (2). 1 of the submissions does not count toward it. Last evaluated 2023-11-22.

Conditions:
Gastric cancer. Also called: Malignant tumor of stomach; Stomach cancer. Identifiers: MedGen C0024623, MeSH D013274, MONDO:0001056, OMIM 613659, HP:0012126.
Familial cancer of breast. Also called: Hereditary breast cancer; hereditary breast carcinoma; BREAST CANCER, FAMILIAL. Identifiers: Orphanet 227535, MedGen C0346153, MONDO:0016419, OMIM 114480. Disease mechanism: loss of function.

Submissions (3):

Myriad Genetics, Inc.
Classification: Pathogenic for Familial cancer of breast. Last evaluated: 2023-11-22. Review status: criteria provided, single submitter. Criteria: Myriad Autosomal Dominant, Autosomal Recessive and X-Linked Classification Criteria (2023). Collection method: clinical testing. Allele origin: unknown.
Comment: This variant is considered pathogenic. This variant creates a frameshift predicted to result in premature protein truncation.

Labcorp Genetics (formerly Invitae), Labcorp
Classification: Pathogenic for Familial cancer of breast. Last evaluated: 2023-11-17. Review status: criteria provided, single submitter. Criteria: Invitae Variant Classification Sherloc (09022015). Collection method: clinical testing. Allele origin: germline.
Comment: This sequence change creates a premature translational stop signal (p.Lys203Asnfs*20) in the PALB2 gene. It is expected to result in an absent or disrupted protein product. Loss-of-function variants in PALB2 are known to be pathogenic (PMID: 17200668, 17200671, 17200672, 24136930, 25099575). This variant is not present in population databases (gnomAD no frequency). This premature translational stop signal has been observed in individual(s) with PALB2-related conditions (PMID: 2980694). ClinVar contains an entry for this variant (Variation ID: 1801646). For these reasons, this variant has been classified as Pathogenic.

Laboratory for Genotyping Development, RIKEN
Classification: Pathogenic for Gastric cancer. Last evaluated: 2021-07-01. Review status: no assertion criteria provided. Collection method: research. Allele origin: germline. Not counted in ClinVar's aggregate classification.

Literature cited by the submitters: PubMed 17200668 (cited by Labcorp Genetics (formerly Invitae), Labcorp); PubMed 17200671 (cited by Labcorp Genetics (formerly Invitae), Labcorp); PubMed 17200672 (cited by Labcorp Genetics (formerly Invitae), Labcorp); PubMed 24136930 (cited by Labcorp Genetics (formerly Invitae), Labcorp); PubMed 25099575 (cited by Labcorp Genetics (formerly Invitae), Labcorp); PubMed 2980694 (cited by Labcorp Genetics (formerly Invitae), Labcorp); PubMed 36988593 (cited by Laboratory for Genotyping Development, RIKEN).

NM_024675.4(PALB2):c.609del (p.Lys203fs)

Gene: PALB2 (partner and localizer of BRCA2; minus strand). Cytogenetic location: 16p12.2.
Variant type: Deletion.
Coding change: c.609del on transcript NM_024675.4 (MANE Select); coding-DNA position 609, one base deleted (A; older notation c.609delA).
Protein change: p.Lys203fs; shifts the reading frame from lysine 203.
Molecular consequence: frameshift variant.
Genome position (GRCh38, 1-based): chr16:23,635,937, T deleted on the plus strand (A on the coding strand, the reverse complement: PALB2 is on the minus strand); the first of 3 consecutive T bases (chr16:23,635,937-23,635,939); deleting any one gives the same sequence. VCF-style (leftmost placement, unchanged base first): chr16-23635936-AT-A. GRCh37 (hg19) VCF-style: chr16-23647257-AT-A.
Other names: c.547delA, p.Lys183Asnfs (NM_001407296.1); c.607delA, p.Lys203Asnfs (NM_001407297.1, NM_001407298.1, NM_001407299.1 and 3 more transcripts); c.-279delA (NM_001407304.1, NM_001407305.1, NM_001407306.1 and 5 more transcripts); short protein forms K203fs.
Identifiers: ClinVar variation 1801646 (VCV001801646.5), dbSNP rs2506505884, ClinGen allele CA2580091359.
Genomic context (GRCh38, chr16:23,635,936, plus strand): 5'-GAATTAATACACTGTCTTCATTAATTTCTGTAACTGGTTCTGGAGAATCTGGAAGTTCAG[AT>A]TTAAGACTTAAAAGGTGAGTTCTTATTTCAGTTACTGGTGATCTAGCAGGATTTTTGCTA-3'